The following is an entry in ClinVar:

NM_003924.4(PHOX2B):c.542A>T (p.Asp181Val)

Gene: PHOX2B (paired like homeobox 2B; minus strand). Cytogenetic location: 4p13.
Variant type: single nucleotide variant.
Coding change: c.542A>T on transcript NM_003924.4 (MANE Select); coding-DNA position 542, A replaced by T.
Protein change: p.Asp181Val; replaces aspartic acid 181 with valine.
Molecular consequence: missense variant.
Genome position (GRCh38, 1-based): chr4:41,746,210, T>A on the plus strand (A>T on the coding strand, the complement: PHOX2B is on the minus strand). VCF-style: chr4-41746210-T-A. GRCh37 (hg19) VCF-style: chr4-41748227-T-A.
Other names: short protein forms D181V.
Identifiers: ClinVar variation 3888490 (VCV003888490.1).

ClinVar aggregate classification (germline): Uncertain significance (1 of 4 stars; one submission).

Conditions:
Hereditary cancer-predisposing syndrome. Also called: Tumor predisposition; Neoplastic Syndromes, Hereditary; Hereditary Cancer Syndrome; Hereditary neoplastic syndrome. Identifiers: Orphanet 140162, MedGen C0027672, MeSH D009386, MONDO:0015356.

Submission:

Ambry Genetics
Classification: Uncertain significance for Hereditary cancer-predisposing syndrome. Last evaluated: 2024-12-19. Review status: criteria provided, single submitter. Criteria: Ambry Variant Classification Scheme 2023. Collection method: clinical testing. Allele origin: germline.
Comment: The p.D181V variant (also known as c.542A>T), located in coding exon 3 of the PHOX2B gene, results from an A to T substitution at nucleotide position 542. The aspartic acid at codon 181 is replaced by valine, an amino acid with highly dissimilar properties. This amino acid position is conserved. In addition, the in silico prediction for this alteration is inconclusive. Based on the available evidence, the clinical significance of this variant remains unclear.